The following is an entry in ClinVar:

NM_001111125.3(IQSEC2):c.547G>T (p.Glu183Ter)

Gene: IQSEC2 (IQ motif and Sec7 domain ArfGEF 2; minus strand). Cytogenetic location: Xp11.22.
Variant type: single nucleotide variant.
Coding change: c.547G>T on transcript NM_001111125.3 (MANE Select); coding-DNA position 547, G replaced by T.
Protein change: p.Glu183Ter; replaces glutamic acid 183 with a stop codon.
Molecular consequence: nonsense.
Genome position (GRCh38, 1-based): chrX:53,320,577, C>A on the plus strand (G>T on the coding strand, the complement: IQSEC2 is on the minus strand). VCF-style: chrX-53320577-C-A. GRCh37 (hg19) VCF-style: chrX-53349775-C-A.
Other names: c.547G>T, p.Glu183Ter (NM_001410736.1); short protein forms E183*.
Identifiers: ClinVar variation 2710813 (VCV002710813.3), dbSNP rs2520578180, ClinGen allele CA413239107.
Genomic context (GRCh38, chrX:53,320,577, plus strand): 5'-CCCGCTCCCGCGGTGGCCGCGGCCCCACGCCCACCGCCGCCGAATAGCCCGCTTCCTTCT[C>A]GCGGCCCGGGTGCGCCGGCCCGGCCTCCCGCCCGCCACGCTCGCGACCCAGGGCTGGGTT-3'

ClinVar aggregate classification (germline): Pathogenic (1 of 4 stars; one submission).

Conditions:
Intellectual developmental disorder, X-linked 1. Also called: MENTAL RETARDATION, X-LINKED 18; MENTAL RETARDATION, X-LINKED 78; Atkin Flaitz Patil Smith syndrome; Intellectual disability, X-linked 1. Identifiers: Orphanet 777, MedGen C2931498, MONDO:0010656, OMIM 309530.

Submission:

Labcorp Genetics (formerly Invitae), Labcorp
Classification: Pathogenic for Intellectual developmental disorder, X-linked 1. Last evaluated: 2024-01-22. Review status: criteria provided, single submitter. Criteria: Invitae Variant Classification Sherloc (09022015). Collection method: clinical testing. Allele origin: germline.
Comment: This sequence change creates a premature translational stop signal (p.Glu183*) in the IQSEC2 gene. It is expected to result in an absent or disrupted protein product. Loss-of-function variants in IQSEC2 are known to be pathogenic (PMID: 21686261, 26793055, 27665735). This variant is not present in population databases (gnomAD no frequency). This variant has not been reported in the literature in individuals affected with IQSEC2-related conditions. For these reasons, this variant has been classified as Pathogenic.

Literature cited by the submitters: PubMed 21686261; PubMed 26793055; PubMed 27665735.